The following is an entry in ClinVar:

NM_014141.6(CNTNAP2):c.2609T>C (p.Val870Ala)

Gene: CNTNAP2 (contactin associated protein 2; plus strand). Cytogenetic location: 7q35.
Variant type: single nucleotide variant.
Coding change: c.2609T>C on transcript NM_014141.6 (MANE Select); coding-DNA position 2609, T replaced by C.
Protein change: p.Val870Ala; replaces valine 870 with alanine.
Molecular consequence: missense variant.
Genome position (GRCh38, 1-based): chr7:148,147,545, T>C. VCF-style: chr7-148147545-T-C. GRCh37 (hg19) VCF-style: chr7-147844637-T-C.
Other names: p.V870A:GTA>GCA; short protein forms V870A.
Identifiers: ClinVar variation 136819 (VCV000136819.31), dbSNP rs138481453, ClinGen allele CA290176.

ClinVar aggregate classification (germline): Conflicting classifications of pathogenicity. Review status: criteria provided, conflicting classifications (1 of 4 stars). 11 submissions from 11 submitters: Uncertain significance (3); Benign (1); Likely benign (6). 1 of the submissions does not count toward it. Last evaluated 2026-02-03.

Conditions:
CNTNAP2-related disorder. Also called: CNTNAP2-related condition.
Inborn genetic diseases. Identifiers: MedGen C0950123, MeSH D030342.
Cortical dysplasia-focal epilepsy syndrome (PTHSL1). Also called: Pitt-Hopkins-like syndrome 1. Identifiers: Orphanet 163681, Orphanet 221150, MedGen C2750246, MONDO:0012400, OMIM 610042.

Allele frequency attached by ClinVar (database versions not stated): gnomAD exomes 0.00010 and 0.00021; ExAC 0.00028; ESP Exome Variant Server 0.00085; gnomAD 0.00092 and 0.00096; TOPMed 0.00103; 1000 Genomes Project 0.00200; 1000 Genomes Project 30x 0.00203.
gnomAD v4.1: 300 of 1,614,116 alleles (0.019%); highest among the groups gnomAD compares: African/African-American, 0.33%; 2 homozygotes.

Submissions (11):

Labcorp Genetics (formerly Invitae), Labcorp
Classification: Likely benign for Cortical dysplasia-focal epilepsy syndrome. Last evaluated: 2026-02-03. Review status: criteria provided, single submitter. Criteria: Invitae Variant Classification Sherloc (09022015). Collection method: clinical testing. Allele origin: germline.

Ambry Genetics
Classification: Likely benign for Inborn genetic diseases. Last evaluated: 2025-09-16. Review status: criteria provided, single submitter. Criteria: Ambry Variant Classification Scheme 2023. Collection method: clinical testing. Allele origin: germline.

Mayo Clinic Laboratories, Mayo Clinic
Classification: Likely benign. Last evaluated: 2025-04-21. Review status: criteria provided, single submitter. Criteria: ACMG Guidelines, 2015. Collection method: clinical testing. Allele origin: germline. Observed: 1 variant allele.
Comment: BS1, BP4

Women's Health and Genetics/Laboratory Corporation of America, LabCorp
Classification: Likely benign. Last evaluated: 2024-06-18. Review status: criteria provided, single submitter. Criteria: LabCorp Variant Classification Summary - May 2015. Collection method: clinical testing. Allele origin: germline.
Comment: Variant summary: CNTNAP2 c.2609T>C (p.Val870Ala) results in a non-conservative amino acid change in the encoded protein sequence. Four of five in-silico tools predict a benign effect of the variant on protein function. The variant allele was found at a frequency of 0.00021 in 251474 control chromosomes, predominantly at a frequency of 0.0028 within the African or African-American subpopulation in the gnomAD database. The observed variant frequency within African or African-American control individuals in the gnomAD database exceeds the estimated maximal expected allele frequency for a pathogenic variant in CNTNAP2 causing Autism, Susceptibility To, 15 phenotype. To our knowledge, no occurrence of c.2609T>C in individuals affected with Autism, Susceptibility To, 15 and no experimental evidence demonstrating its impact on protein function have been reported. ClinVar contains an entry for this variant (Variation ID: 136819). Based on the evidence outlined above, the variant was classified as likely benign.

Revvity Omics, Revvity
Classification: Uncertain significance for Cortical dysplasia-focal epilepsy syndrome. Last evaluated: 2021-07-08. Review status: criteria provided, single submitter. Criteria: ACMG Guidelines, 2015. Collection method: clinical testing. Allele origin: germline.

New York Genome Center
Classification: Uncertain significance. Last evaluated: 2019-09-13. Review status: criteria provided, single submitter. Criteria: NYGC Assertion Criteria 2020. Collection method: clinical testing. Allele origin: germline. Inheritance: Autosomal recessive inheritance. Affected: yes. Observed: 1 heterozygote. Study: CSER-NYCKidSeq.

Athena Diagnostics
Classification: Likely benign. Last evaluated: 2019-03-29. Review status: criteria provided, single submitter. Criteria: Athena Diagnostics criteria. Collection method: clinical testing. Allele origin: unknown.

Eurofins Ntd Llc (ga)
Classification: Uncertain significance. Last evaluated: 2017-05-02. Review status: criteria provided, single submitter. Criteria: EGL Classification Definitions 2015. Collection method: clinical testing. Allele origin: germline. Observed: 1 variant allele, 1 heterozygote.

Genetic Services Laboratory, University of Chicago
Classification: Likely benign. Last evaluated: 2016-12-23. Review status: criteria provided, single submitter. Criteria: ACMG Guidelines, 2015. Collection method: clinical testing. Allele origin: germline. Affected: no.

GeneDx
Classification: Benign. Last evaluated: 2013-06-23. Review status: criteria provided, single submitter. Criteria: GeneDx Variant Classification (06012015). Collection method: clinical testing. Allele origin: germline. Affected: yes.
Comment: This variant is considered likely benign or benign based on one or more of the following criteria: it is a conservative change, it occurs at a poorly conserved position in the protein, it is predicted to be benign by multiple in silico algorithms, and/or has population frequency not consistent with disease.

PreventionGenetics, part of Exact Sciences
Classification: Uncertain significance for CNTNAP2-related condition. Last evaluated: 2024-04-03. Review status: no assertion criteria provided. Collection method: clinical testing. Allele origin: germline. Not counted in ClinVar's aggregate classification.
Comment: The CNTNAP2 c.2609T>C variant is predicted to result in the amino acid substitution p.Val870Ala. To our knowledge, this variant has not been reported in the literature. This variant is reported in 0.29% of alleles in individuals of African descent in gnomAD. Although we suspect that this variant may be benign, at this time, the clinical significance of this variant is uncertain due to the absence of conclusive functional and genetic evidence.